The following is an entry in ClinVar:

NM_001204.7(BMPR2):c.2580del (p.Asn861fs)

Gene: BMPR2 (bone morphogenetic protein receptor type 2; plus strand). Cytogenetic location: 2q33.2.
Variant type: Deletion.
Coding change: c.2580del on transcript NM_001204.7 (MANE Select); coding-DNA position 2580, one base deleted (T; older notation c.2580delT).
Protein change: p.Asn861fs; shifts the reading frame from asparagine 861.
Molecular consequence: frameshift variant.
Genome position (GRCh38, 1-based): chr2:202,556,245, T deleted; the last of 2 consecutive T bases (chr2:202,556,244-202,556,245); deleting either gives the same sequence. VCF-style (leftmost placement, unchanged base first): chr2-202556243-AT-A. GRCh37 (hg19) VCF-style: chr2-203420966-AT-A.
Other names: c.2580del, p.N861Ifs*11 (LRG_712t1); c.2580del (NM_001204.6); short protein forms N861fs.
Identifiers: ClinVar variation 425996 (VCV000425996.14), dbSNP rs1085307395, ClinGen allele CA645293960.
Genomic context (GRCh38, chr2:202,556,243, plus strand): 5'-ACACATAGGGCCCAAGAAATGTTGCAGAATCAGTTTATTGGTGAGGACACCCGGCTGAAT[AT>A]TAATTCCAGTCCTGATGAGCATGAGCCTTTACTGAGACGAGAGCAACAAGCTGGCCATGA-3'

ClinVar aggregate classification (germline): Pathogenic. Review status: criteria provided, multiple submitters, no conflicts (2 of 4 stars). 5 submissions from 5 submitters: Pathogenic (2). 3 of the submissions do not count toward it. Last evaluated 2024-03-19.

Conditions:
Primary pulmonary hypertension. Also called: Idiopathic pulmonary hypertension. Identifiers: MedGen C0152171.
Pulmonary hypertension, primary, 1 (PPH1). Also called: Pulmonary hypertension, familial primary, 1, with or without HHT. Identifiers: Orphanet 422, MedGen C4552070, MONDO:0024533, OMIM 178600.
Idiopathic and/or familial pulmonary arterial hypertension. Identifiers: Orphanet 422, MedGen C5679820, MONDO:0008347.
Pulmonary arterial hypertension. Identifiers: Orphanet 182090, MedGen C2973725, MeSH D000081029, MONDO:0015924, HP:0002092.

Submissions (5):

Labcorp Genetics (formerly Invitae), Labcorp
Classification: Pathogenic for Primary pulmonary hypertension. Last evaluated: 2024-03-19. Review status: criteria provided, single submitter. Criteria: Invitae Variant Classification Sherloc (09022015). Collection method: clinical testing. Allele origin: germline.
Comment: This sequence change creates a premature translational stop signal (p.Asn861Ilefs*11) in the BMPR2 gene. It is expected to result in an absent or disrupted protein product. Loss-of-function variants in BMPR2 are known to be pathogenic (PMID: 16429395). This variant is not present in population databases (gnomAD no frequency). This premature translational stop signal has been observed in individuals with pulmonary arterial hypertension (PMID: 10903931, 10973254, 16717148). It has also been observed to segregate with disease in related individuals. This variant is also known as c.2579delT and c.2579-2580delT. ClinVar contains an entry for this variant (Variation ID: 425996). For these reasons, this variant has been classified as Pathogenic.

GeneDx
Classification: Pathogenic. Last evaluated: 2022-04-08. Review status: criteria provided, single submitter. Criteria: GeneDx Variant Classification Process June 2021. Collection method: clinical testing. Allele origin: germline. Affected: yes.
Comment: Not observed at significant frequency in large population cohorts (gnomAD); Frameshift variant predicted to result in protein truncation or nonsense mediated decay in a gene for which loss of function is a known mechanism of disease; This variant is associated with the following publications: (PMID: 31727138, 10973254)

OMIM
Classification: Pathogenic for PULMONARY HYPERTENSION, PRIMARY, 1. Last evaluated: 2000-09-01. Review status: no assertion criteria provided. Collection method: literature only. Allele origin: germline. Not counted in ClinVar's aggregate classification.

Rare Disease Genomics Group, St George's University of London
Classification: Pathogenic for Primary pulmonary hypertension. Review status: no assertion criteria provided. Collection method: literature only. Allele origin: germline. Affected: yes. Not counted in ClinVar's aggregate classification.

Wendy Chung Laboratory, Boston Children's Hospital
No classification provided. Condition: Idiopathic and/or familial pulmonary arterial hypertension. Review status: no classification provided. Collection method: literature only. Allele origin: germline. Affected: yes. Not counted in ClinVar's aggregate classification.

Literature cited by the submitters: PubMed 16429395 (cited by Labcorp Genetics (formerly Invitae), Labcorp and Rare Disease Genomics Group, St George's University of London); PubMed 10903931 (cited by 3 submitters); PubMed 10973254 (cited by 3 submitters); PubMed 16717148 (cited by Labcorp Genetics (formerly Invitae), Labcorp and Rare Disease Genomics Group, St George's University of London); PubMed 11115378 (cited by Rare Disease Genomics Group, St George's University of London); PubMed 31727138 (cited by Wendy Chung Laboratory, Boston Children's Hospital).